The following is an entry in ClinVar:

NM_001399.5(EDA):c.134G>A (p.Gly45Asp)

Gene: EDA (ectodysplasin A; plus strand). Cytogenetic location: Xq13.1.
Variant type: single nucleotide variant.
Coding change: c.134G>A on transcript NM_001399.5 (MANE Select); coding-DNA position 134, G replaced by A.
Protein change: p.Gly45Asp; replaces glycine 45 with aspartic acid.
Molecular consequence: missense variant.
Genome position (GRCh38, 1-based): chrX:69,616,442, G>A. VCF-style: chrX-69616442-G-A. GRCh37 (hg19) VCF-style: chrX-68836286-G-A.
Other names: c.134G>A, p.Gly45Asp (NM_001005609.2, NM_001005610.4, NM_001005612.3 and 1 more transcripts); short protein forms G45D.
Identifiers: ClinVar variation 957157 (VCV000957157.9), dbSNP rs1931938364, ClinGen allele CA413447147.
Genomic context (GRCh38, chrX:69,616,442, plus strand): 5'-GCGGGTGTGGCGGGGCCCCTGCCCGGGCGGGCGAAGGGAACAGCTGCCTGCTCTTCCTGG[G>A]TTTCTTTGGCCTCTCGCTGGCCCTCCACCTGCTGACGTTGTGCTGCTACCTAGAGTTGCG-3'
Protein context (NP_001390.1, residues 35-55): GEGNSCLLFL[Gly45Asp]FFGLSLALHL

ClinVar aggregate classification (germline): Pathogenic (1 of 4 stars; one submission).

Conditions:
Hypohidrotic X-linked ectodermal dysplasia (XHED). Also called: Christ-Siemans-Touraine syndrome; ECTODERMAL DYSPLASIA, HYPOHIDROTIC, 1; CST SYNDROME; ECTODERMAL DYSPLASIA 1; Ectodermal Dysplasia 1, Anhidrotic; Anhidrotic ectodermal dysplasia X-linked. Identifiers: Orphanet 181, Orphanet 238468, MedGen C0162359, MONDO:0010585, OMIM 305100.

Submission:

Labcorp Genetics (formerly Invitae), Labcorp
Classification: Pathogenic for Hypohidrotic X-linked ectodermal dysplasia. Last evaluated: 2022-11-29. Review status: criteria provided, single submitter. Criteria: Invitae Variant Classification Sherloc (09022015). Collection method: clinical testing. Allele origin: germline.
Comment: This sequence change replaces glycine, which is neutral and non-polar, with aspartic acid, which is acidic and polar, at codon 45 of the EDA protein (p.Gly45Asp). For these reasons, this variant has been classified as Pathogenic. Advanced modeling of protein sequence and biophysical properties (such as structural, functional, and spatial information, amino acid conservation, physicochemical variation, residue mobility, and thermodynamic stability) performed at Invitae indicates that this missense variant is expected to disrupt EDA protein function. ClinVar contains an entry for this variant (Variation ID: 957157). This missense change has been observed in individual(s) with clinical features of hypohidrotic ectodermal dysplasia (PMID: 22032522; Invitae). This variant is not present in population databases (gnomAD no frequency).

Literature cited by the submitters: PubMed 22032522.